The following is an entry in ClinVar:

NM_002181.4(IHH):c.588C>T (p.Ala196=)

Gene: IHH (Indian hedgehog signaling molecule; minus strand). Cytogenetic location: 2q35.
Variant type: single nucleotide variant.
Coding change: c.588C>T on transcript NM_002181.4 (MANE Select); coding-DNA position 588, C replaced by T.
Protein change: p.Ala196=; no amino-acid change (alanine 196 retained).
Molecular consequence: synonymous variant.
Genome position (GRCh38, 1-based): chr2:219,055,855, G>A on the plus strand (C>T on the coding strand, the complement: IHH is on the minus strand). VCF-style: chr2-219055855-G-A. GRCh37 (hg19) VCF-style: chr2-219920577-G-A.
Identifiers: ClinVar variation 896646 (VCV000896646.5), dbSNP rs770515682, ClinGen allele CA2116666.
Genomic context (GRCh38, chr2:219,055,855, plus strand): 5'-CGCCCCACTCTCCAGGCGTACCTGGGCTCCGGCAGGGAAGCAGCCGCCCGTCTTGGCTGC[G>A]GCCGAGTGCTCTGTGGGAGAAAGGGACATGAAGGTGTTACTGCTGTGCAGCTCAGCCTCC-3'
Protein context (NP_002172.2, residues 186-206): VHCSVKSEHS[Ala196=]AAKTGGCFPA

ClinVar aggregate classification (germline): Benign/Likely benign. Review status: criteria provided, multiple submitters, no conflicts (2 of 4 stars). 2 submissions from 2 submitters: Benign (1); Likely benign (1). Last evaluated 2026-01-04.

Conditions:
Brachydactyly type A1. Also called: FARABEE-TYPE BRACHYDACTYLY; SHORT STATURE WITH NONSPECIFIC SKELETAL ABNORMALITIES 2. Identifiers: Orphanet 93388, MedGen C1862151, MONDO:0007215, OMIM 112500, HP:0009371.

Allele frequency attached by ClinVar (database versions not stated): TOPMed 0.00003.
gnomAD v4.1: 34 of 1,607,474 alleles (0.0021%); highest among the groups gnomAD compares: East Asian, 0.022%; no homozygotes.

Submissions (2):

Labcorp Genetics (formerly Invitae), Labcorp
Classification: Likely benign. Last evaluated: 2026-01-04. Review status: criteria provided, single submitter. Criteria: Invitae Variant Classification Sherloc (09022015). Collection method: clinical testing. Allele origin: germline.

Illumina Laboratory Services, Illumina
Classification: Benign for Brachydactyly type A1. Last evaluated: 2018-01-13. Review status: criteria provided, single submitter. Criteria: ICSL Variant Classification Criteria 13 December 2019. Collection method: clinical testing. Allele origin: germline.
Comment: This variant was observed in the ICSL laboratory as part of a predisposition screen in an ostensibly healthy population. It had not been previously curated by ICSL or reported in the Human Gene Mutation Database (HGMD: prior to June 1st, 2018), and was therefore a candidate for classification through an automated scoring system. Utilizing variant allele frequency, disease prevalence and penetrance estimates, and inheritance mode, an automated score was calculated to assess if this variant is too frequent to cause the disease. Based on the score and internal cut-off values, a variant classified as benign is not then subjected to further curation. The score for this variant resulted in a classification of benign for this disease.